The following is an entry in ClinVar:

ClinVar aggregate classification (germline): other (0 of 4 stars; one submission).

Conditions:
Familial colorectal cancer. Identifiers: MedGen CN280943, MONDO:0023113. Disease mechanism: loss of function.

Submission:

Systems Biology Platform Zhejiang California International NanoSystems Institute
Classification: other for Familial colorectal cancer. Review status: no assertion criteria provided. Collection method: not provided. Allele origin: unknown.
ClinVar note: Converted during submission from cancer to other.

NM_000038.6(APC):c.729+1672T>C

Gene: APC (APC regulator of WNT signaling pathway; plus strand). Cytogenetic location: 5q22.2.
Variant type: single nucleotide variant.
Coding change: c.729+1672T>C on transcript NM_000038.6 (MANE Select); 1672 bases into the intron after coding-DNA position 729, T replaced by C.
Molecular consequence: intron variant.
Genome position (GRCh38, 1-based): chr5:112,794,201, T>C. VCF-style: chr5-112794201-T-C. GRCh37 (hg19) VCF-style: chr5-112129898-T-C.
Other names: c.729+1672T>C (NM_001354895.2, NM_001127510.3, NM_001354896.2 and 1 more transcripts); c.759+1672T>C (NM_001354897.2, NM_001354902.2); c.676-7078T>C (NM_001127511.3); c.654+1672T>C (NM_001354898.2, NM_001354904.2); c.-307+1672T>C (NM_001354906.2); c.646-7078T>C (NM_001354899.2); c.552+1672T>C (NM_001354900.2, NM_001354901.2, NM_001354905.2).
Identifiers: ClinVar variation 82487 (VCV000082487.2), dbSNP rs79860051, ClinGen allele CA013038.